The following is an entry in ClinVar:

ClinVar aggregate classification (germline): Uncertain significance (1 of 4 stars; one submission).

Conditions:
Lissencephaly due to TUBA1A mutation (CDCBM16). Also called: CORTICAL DYSPLASIA, COMPLEX, WITH OTHER BRAIN MALFORMATIONS 16; Lissencephaly 3. Identifiers: Orphanet 171680, MedGen C4305153, MONDO:0012703, OMIM 611603.

Submission:

Baylor Genetics
Classification: Uncertain significance for Lissencephaly due to TUBA1A mutation. Last evaluated: 2020-07-08. Review status: criteria provided, single submitter. Criteria: ACMG Guidelines, 2015. Collection method: clinical testing. Allele origin: unknown. Affected: yes.
Comment: This variant was determined to be of uncertain significance according to ACMG Guidelines, 2015 [PMID:25741868].

NM_006009.4(TUBA1A):c.1117A>G (p.Arg373Gly)

Gene: TUBA1A (tubulin alpha 1a; minus strand). Cytogenetic location: 12q13.12.
Variant type: single nucleotide variant.
Coding change: c.1117A>G on transcript NM_006009.4 (MANE Select); coding-DNA position 1117, A replaced by G.
Protein change: p.Arg373Gly; replaces arginine 373 with glycine.
Molecular consequence: missense variant.
Genome position (GRCh38, 1-based): chr12:49,185,249, T>C on the plus strand (A>G on the coding strand, the complement: TUBA1A is on the minus strand). VCF-style: chr12-49185249-T-C. GRCh37 (hg19) VCF-style: chr12-49579032-T-C.
Other names: c.1117A>G, p.Arg373Gly (NM_001270399.2); c.1012A>G, p.Arg338Gly (NM_001270400.2); short protein forms R338G, R373G.
Identifiers: ClinVar variation 1028469 (VCV001028469.1), dbSNP rs1942165485, ClinGen allele CA384635773.